The following is an entry in ClinVar:

NM_015909.4(NBAS):c.2092T>C (p.Tyr698His)

Gene: NBAS (NBAS subunit of NRZ tethering complex; minus strand). Cytogenetic location: 2p24.3.
Variant type: single nucleotide variant.
Coding change: c.2092T>C on transcript NM_015909.4 (MANE Select); coding-DNA position 2092, T replaced by C.
Protein change: p.Tyr698His; replaces tyrosine 698 with histidine.
Molecular consequence: missense variant. On other transcripts: non-coding transcript variant (1).
Genome position (GRCh38, 1-based): chr2:15,467,334, A>G on the plus strand (T>C on the coding strand, the complement: NBAS is on the minus strand). VCF-style: chr2-15467334-A-G. GRCh37 (hg19) VCF-style: chr2-15607458-A-G.
Other names: short protein forms Y698H.
Identifiers: ClinVar variation 2146965 (VCV002146965.8), dbSNP rs555326744, ClinGen allele CA1536471.

ClinVar aggregate classification (germline): Conflicting classifications of pathogenicity. Review status: criteria provided, conflicting classifications (1 of 4 stars). 3 submissions from 3 submitters: Uncertain significance (2); Likely benign (1). Last evaluated 2026-01-13.

Conditions:
Infantile liver failure syndrome 2 (ILFS2). Identifiers: MedGen C3809651, MONDO:0014659, OMIM 616483.

Allele frequency attached by ClinVar (database versions not stated): TOPMed 0.00002; gnomAD 0.00009; gnomAD exomes 0.00009; 1000 Genomes Project 30x 0.00016; 1000 Genomes Project 0.00020; ExAC 0.00022.
gnomAD v4.1: 149 of 1,609,648 alleles (0.0093%); highest among the groups gnomAD compares: South Asian, 0.15%; no homozygotes.

Submissions (3):

Labcorp Genetics (formerly Invitae), Labcorp
Classification: Likely benign. Last evaluated: 2026-01-13. Review status: criteria provided, single submitter. Criteria: Invitae Variant Classification Sherloc (09022015). Collection method: clinical testing. Allele origin: germline.

Blueprint Genetics
Classification: Uncertain significance. Last evaluated: 2024-07-31. Review status: criteria provided, single submitter. Criteria: ACMG Guidelines, 2015. Collection method: clinical testing. Allele origin: germline.

Neuberg Centre For Genomic Medicine, NCGM
Classification: Uncertain significance for Infantile liver failure syndrome 2. Last evaluated: 2023-05-20. Review status: criteria provided, single submitter. Criteria: ACMG Guidelines, 2015. Collection method: clinical testing. Allele origin: germline. Inheritance: Autosomal recessive inheritance. Affected: yes.
Comment: The observed missense variant in c.2092T>C(p.Tyr698His) in NBAS gene has not been reported previously as a pathogenic variant nor as a benign variant, to our knowledge. The c.2092T>C variant is reported with 0.02% allele frequency in gnomAD Exomes. This variant has been reported to the ClinVar database as LIkely Benign. However, no details are available for independent assessment. The amino acid Tyrosine at position 698 is changed to a Histidine changing protein sequence and it might alter its composition and physico-chemical properties.The reference amino acid p.Tyr698His in NBAS is predicted as conserved by GERP++ and PhyloP across 100 vertebrates. For these reasons, this variant has been classified as Uncertain Significance.